The following is an entry in ClinVar:

NM_001046.3(SLC12A2):c.788A>C (p.Glu263Ala)

Gene: SLC12A2 (solute carrier family 12 member 2; plus strand). Cytogenetic location: 5q23.3.
Variant type: single nucleotide variant.
Coding change: c.788A>C on transcript NM_001046.3 (MANE Select); coding-DNA position 788, A replaced by C.
Protein change: p.Glu263Ala; replaces glutamic acid 263 with alanine.
Molecular consequence: missense variant. On other transcripts: non-coding transcript variant (1).
Genome position (GRCh38, 1-based): chr5:128,112,845, A>C. VCF-style: chr5-128112845-A-C. GRCh37 (hg19) VCF-style: chr5-127448537-A-C.
Other names: c.788A>C (NM_001046.2); c.788A>C, p.Glu263Ala (NM_001256461.2); short protein forms E263A.
Identifiers: ClinVar variation 1385672 (VCV001385672.7), dbSNP rs367694835, ClinGen allele CA3392895.

ClinVar aggregate classification (germline): Uncertain significance. Review status: criteria provided, multiple submitters, no conflicts (2 of 4 stars). 3 submissions from 3 submitters: Uncertain significance (3). Last evaluated 2026-09-09.

Conditions:
SLC12A2-related disorder. Also called: SLC12A2-related condition; SLC12A2-related disorders.
Hearing loss, autosomal dominant 78. Also called: DEAFNESS, AUTOSOMAL DOMINANT 78. Identifiers: MedGen C5436768, MONDO:0033665, OMIM 619081.
Delpire-McNeill syndrome. Also called: SLC12A2-related autosomal dominant infantile-developmental delay-intellectual disability-sensorineural deafness syndrome. Identifiers: Orphanet 633024, MedGen C5436771, MONDO:0033667, OMIM 619083.
Kilquist syndrome (KILQS). Also called: SLC12A2-related autosomal recessive neonatal-developmental delay-intellectual disability-feeding difficulty-sensorineural deafness syndrome. Identifiers: Orphanet 633021, MedGen C5436756, MONDO:0033664, OMIM 619080.

Allele frequency attached by ClinVar (database versions not stated): gnomAD exomes 0.00005 and 0.00022; ESP Exome Variant Server 0.00008; gnomAD 0.00011; TOPMed 0.00012; ExAC 0.00003.
gnomAD v4.1: 335 of 1,611,978 alleles (0.021%); highest among the groups gnomAD compares: Non-Finnish European, 0.027%; no homozygotes.

Submissions (3):

PreventionGenetics, part of Exact Sciences
Classification: Uncertain significance for SLC12A2-related condition. Last evaluated: 2026-09-09. Review status: criteria provided, single submitter. Criteria: ACMG Guidelines, 2015. Collection method: clinical testing. Allele origin: germline.
Comment: The SLC12A2 c.788A>C variant is predicted to result in the amino acid substitution p.Glu263Ala. To our knowledge, this variant has not been reported in the literature. This variant is reported in 0.010% of alleles in individuals of European (Non-Finnish) descent in gnomAD and is observed in over 300 heterozygous individuals in the v4 version of the database. At this time, the clinical significance of this variant is uncertain due to the absence of conclusive functional and genetic evidence.

Labcorp Genetics (formerly Invitae), Labcorp
Classification: Uncertain significance. Last evaluated: 2024-11-11. Review status: criteria provided, single submitter. Criteria: Invitae Variant Classification Sherloc (09022015). Collection method: clinical testing. Allele origin: germline.
Comment: This sequence change replaces glutamic acid, which is acidic and polar, with alanine, which is neutral and non-polar, at codon 263 of the SLC12A2 protein (p.Glu263Ala). This variant is present in population databases (rs367694835, gnomAD 0.008%). This variant has not been reported in the literature in individuals affected with SLC12A2-related conditions. ClinVar contains an entry for this variant (Variation ID: 1385672). Invitae Evidence Modeling of protein sequence and biophysical properties (such as structural, functional, and spatial information, amino acid conservation, physicochemical variation, residue mobility, and thermodynamic stability) indicates that this missense variant is not expected to disrupt SLC12A2 protein function with a negative predictive value of 95%. In summary, the available evidence is currently insufficient to determine the role of this variant in disease. Therefore, it has been classified as a Variant of Uncertain Significance.

Fulgent Genetics
Classification: Uncertain significance for Kilquist syndrome; Hearing loss, autosomal dominant 78; Delpire-McNeill syndrome. Last evaluated: 2022-04-28. Review status: criteria provided, single submitter. Criteria: ACMG Guidelines, 2015. Collection method: clinical testing. Allele origin: unknown.